The following is an entry in ClinVar:

NM_001332.4(CTNND2):c.2653C>T (p.Arg885Ter)

Gene: CTNND2 (catenin delta 2; minus strand). Cytogenetic location: 5p15.2.
Variant type: single nucleotide variant.
Coding change: c.2653C>T on transcript NM_001332.4 (MANE Select); coding-DNA position 2653, C replaced by T.
Protein change: p.Arg885Ter; replaces arginine 885 with a stop codon.
Molecular consequence: nonsense. On other transcripts: non-coding transcript variant (1).
Genome position (GRCh38, 1-based): chr5:11,082,831, G>A on the plus strand (C>T on the coding strand, the complement: CTNND2 is on the minus strand). VCF-style: chr5-11082831-G-A. GRCh37 (hg19) VCF-style: chr5-11082943-G-A.
Other names: c.2380C>T, p.Arg794Ter (NM_001288715.1); c.1642C>T, p.Arg548Ter (NM_001288716.1); c.1354C>T, p.Arg452Ter (NM_001288717.2); c.1717C>T, p.Arg573Ter (NM_001364128.2); short protein forms R885*, R548*, R573*, R452*, R794*.
Identifiers: ClinVar variation 280258 (VCV000280258.3), dbSNP rs886041494, ClinGen allele CA10602943.

ClinVar aggregate classification (germline): Conflicting classifications of pathogenicity. Review status: criteria provided, conflicting classifications (1 of 4 stars). 2 submissions from 2 submitters: Likely pathogenic (1); Uncertain significance (1). Last evaluated 2023-11-03.

Conditions:
Neurodevelopmental disorder. Identifiers: MedGen C1535926, MeSH D065886, MONDO:0700092.

Allele frequency attached by ClinVar (database versions not stated): gnomAD exomes below 0.00001.
gnomAD v4.1: 1 of 1,614,072 alleles (0.000062%); highest among the groups gnomAD compares: Non-Finnish European, 0.000085%; no homozygotes.

Submissions (2):

Laboratory of Molecular Genetics (Pr. Bezieau's lab), CHU de Nantes
Classification: Uncertain significance for Neurodevelopmental disorder. Last evaluated: 2023-11-03. Review status: criteria provided, single submitter. Criteria: ACMG Guidelines, 2015. Collection method: clinical testing. Allele origin: germline. Affected: yes.

GeneDx
Classification: Likely pathogenic. Last evaluated: 2018-05-04. Review status: criteria provided, single submitter. Criteria: GeneDx Variant Classification (06012015). Collection method: clinical testing. Allele origin: germline. Affected: yes.
Comment: The R885X variant is not observed in large population cohorts (Lek et al., 2016; 1000 Genomes Consortium et al., 2015; Exome Variant Server). This variant is predicted to cause loss of normal protein function either through protein truncation or nonsense-mediated mRNA decay. However, to our knowledge, nonsense variants have not been reported previously in association with CTNND2-related disorders (Stenson et al., 2014). Therefore, the R885X variant is likely pathogenic; however, the possibility that it is benign cannot be completely excluded.